The following is an entry in ClinVar:

NM_001903.5(CTNNA1):c.1022G>A (p.Arg341His)

Gene: CTNNA1 (catenin alpha 1; plus strand). Cytogenetic location: 5q31.2.
Variant type: single nucleotide variant.
Coding change: c.1022G>A on transcript NM_001903.5 (MANE Select); coding-DNA position 1022, G replaced by A.
Protein change: p.Arg341His; replaces arginine 341 with histidine.
Molecular consequence: missense variant.
Genome position (GRCh38, 1-based): chr5:138,827,678, G>A. VCF-style: chr5-138827678-G-A. GRCh37 (hg19) VCF-style: chr5-138163367-G-A.
Other names: c.1022G>A, p.Arg341His (NM_001290307.3, NM_001323982.2, NM_001323983.1 and 3 more transcripts); c.713G>A, p.Arg238His (NM_001290309.3); c.653G>A, p.Arg218His (NM_001290310.3); short protein forms R218H, R341H, R238H.
Identifiers: ClinVar variation 652539 (VCV000652539.13), dbSNP rs1581178626, ClinGen allele CA361131203.

ClinVar aggregate classification (germline): Uncertain significance. Review status: criteria provided, multiple submitters, no conflicts (2 of 4 stars). 4 submissions from 4 submitters: Uncertain significance (4). Last evaluated 2025-04-02.

Conditions:
Hereditary cancer-predisposing syndrome. Also called: Hereditary neoplastic syndrome; Hereditary Cancer Syndrome; Tumor predisposition; Neoplastic Syndromes, Hereditary. Identifiers: Orphanet 140162, MedGen C0027672, MeSH D009386, MONDO:0015356.

gnomAD v4.1: 3 of 1,614,176 alleles (0.00019%); highest among the groups gnomAD compares: Non-Finnish European, 0.000085%; no homozygotes.

Submissions (4):

Labcorp Genetics (formerly Invitae), Labcorp
Classification: Uncertain significance. Last evaluated: 2025-04-02. Review status: criteria provided, single submitter. Criteria: Invitae Variant Classification Sherloc (09022015). Collection method: clinical testing. Allele origin: germline.
Comment: This sequence change replaces arginine, which is basic and polar, with histidine, which is basic and polar, at codon 341 of the CTNNA1 protein (p.Arg341His). This variant is not present in population databases (gnomAD no frequency). This missense change has been observed in individual(s) with clinical features of inherited retinal dystrophy (internal data). ClinVar contains an entry for this variant (Variation ID: 652539). Invitae Evidence Modeling of protein sequence and biophysical properties (such as structural, functional, and spatial information, amino acid conservation, physicochemical variation, residue mobility, and thermodynamic stability) indicates that this missense variant is expected to disrupt CTNNA1 protein function with a positive predictive value of 80%. In summary, the available evidence is currently insufficient to determine the role of this variant in disease. Therefore, it has been classified as a Variant of Uncertain Significance.

GeneDx
Classification: Uncertain significance. Last evaluated: 2024-02-13. Review status: criteria provided, single submitter. Criteria: GeneDx Variant Classification Process June 2021. Collection method: clinical testing. Allele origin: germline. Affected: yes.
Comment: Not observed at significant frequency in large population cohorts (gnomAD); In silico analysis supports that this missense variant has a deleterious effect on protein structure/function; Observed in individuals undergoing multi-gene panel testing at an outside clinical laboratory (PMID: 32051609); This variant is associated with the following publications: (PMID: 32051609)

Ambry Genetics
Classification: Uncertain significance for Hereditary cancer-predisposing syndrome. Last evaluated: 2024-02-02. Review status: criteria provided, single submitter. Criteria: Ambry Variant Classification Scheme 2023. Collection method: clinical testing. Allele origin: germline.
Comment: The p.R341H variant (also known as c.1022G>A), located in coding exon 6 of the CTNNA1 gene, results from a G to A substitution at nucleotide position 1022. The arginine at codon 341 is replaced by histidine, an amino acid with highly similar properties. This amino acid position is highly conserved in available vertebrate species. In addition, the in silico prediction for this alteration is inconclusive. The evidence for this gene-disease relationship is limited; therefore, the clinical significance of this alteration is unclear.

Blueprint Genetics
Classification: Uncertain significance. Last evaluated: 2020-08-19. Review status: criteria provided, single submitter. Criteria: ACMG Guidelines, 2015. Collection method: clinical testing. Allele origin: germline.